The following is an entry in ClinVar:

ClinVar aggregate classification (germline): Uncertain significance (1 of 4 stars; one submission).

gnomAD v4.1: 3 of 1,610,468 alleles (0.00019%); highest among the groups gnomAD compares: Non-Finnish European, 0.00025%; no homozygotes.

Submission:

Ambry Genetics
Classification: Uncertain significance. Last evaluated: 2026-01-06. Review status: criteria provided, single submitter. Criteria: Ambry Variant Classification Scheme 2023. Collection method: clinical testing. Allele origin: germline.
Comment: The p.D303V variant (also known as c.908A>T), located in coding exon 7 of the RECQL gene, results from an A to T substitution at nucleotide position 908. The aspartic acid at codon 303 is replaced by valine, an amino acid with highly dissimilar properties. This amino acid position is conserved. In addition, the in silico prediction for this alteration is inconclusive. Based on the available evidence, the clinical significance of this variant remains unclear.

NM_002907.4(RECQL):c.908A>T (p.Asp303Val)

Gene: RECQL (RecQ like helicase; minus strand). Cytogenetic location: 12p12.1.
Variant type: single nucleotide variant.
Coding change: c.908A>T on transcript NM_002907.4 (MANE Select); coding-DNA position 908, A replaced by T.
Protein change: p.Asp303Val; replaces aspartic acid 303 with valine.
Molecular consequence: missense variant.
Genome position (GRCh38, 1-based): chr12:21,476,952, T>A on the plus strand (A>T on the coding strand, the complement: RECQL is on the minus strand). VCF-style: chr12-21476952-T-A. GRCh37 (hg19) VCF-style: chr12-21629886-T-A.
Other names: c.908A>T, p.Asp303Val (NM_032941.3); short protein forms D303V.
Identifiers: ClinVar variation 4842799 (VCV004842799.1).